The following is an entry in ClinVar:

NM_005475.3(SH2B3):c.156T>G (p.His52Gln)

Gene: SH2B3 (SH2B adaptor protein 3; plus strand). Cytogenetic location: 12q24.12.
Variant type: single nucleotide variant.
Coding change: c.156T>G on transcript NM_005475.3 (MANE Select); coding-DNA position 156, T replaced by G.
Protein change: p.His52Gln; replaces histidine 52 with glutamine.
Molecular consequence: missense variant.
Genome position (GRCh38, 1-based): chr12:111,418,301, T>G. VCF-style: chr12-111418301-T-G. GRCh37 (hg19) VCF-style: chr12-111856105-T-G.
Other names: short protein forms H52Q.
Identifiers: ClinVar variation 3161124 (VCV003161124.4), dbSNP rs775725883, ClinGen allele CA6789629.
Genomic context (GRCh38, chr12:111,418,301, plus strand): 5'-GCACGCCGTAGCGGCGGCCCGGGAGCTGGCCCGCCAGTACTGGCTGTTCGCCCGGGAGCA[T>G]CCGCAGCACGCGCCGCTGCGCGCCGAGCTGGTGTCGCTGCAGTTCACCGACCTCTTCCAG-3'
Protein context (NP_005466.1, residues 42-62): ARQYWLFARE[His52Gln]PQHAPLRAEL

ClinVar aggregate classification (germline): Uncertain significance. Review status: criteria provided, multiple submitters, no conflicts (2 of 4 stars). 2 submissions from 2 submitters: Uncertain significance (2). Last evaluated 2025-06-24.

Conditions:
Inborn genetic diseases. Identifiers: MedGen C0950123, MeSH D030342.

Allele frequency attached by ClinVar (database versions not stated): ExAC 0.00038.
gnomAD v4.1: 216 of 1,533,154 alleles (0.014%); highest among the groups gnomAD compares: Middle Eastern, 0.094%; no homozygotes.

Submissions (2):

Ambry Genetics
Classification: Uncertain significance for Inborn genetic diseases. Last evaluated: 2025-06-24. Review status: criteria provided, single submitter. Criteria: Ambry Variant Classification Scheme 2023. Collection method: clinical testing. Allele origin: germline.

GeneDx
Classification: Uncertain significance. Last evaluated: 2022-06-14. Review status: criteria provided, single submitter. Criteria: GeneDx Variant Classification Process June 2021. Collection method: clinical testing. Allele origin: germline. Affected: yes.
Comment: In silico analysis supports that this missense variant does not alter protein structure/function; Has not been previously published as pathogenic or benign to our knowledge; Variants in candidate genes are classified as variants of uncertain significance in accordance with ACMG guidelines (Richards 2015); This variant is associated with the following publications: (PMID: Robin2013[abstract])